The following is an entry in ClinVar:

ClinVar aggregate classification (germline): Likely pathogenic (1 of 4 stars; one submission).

Conditions:
Combined immunodeficiency with skin granulomas. Identifiers: Orphanet 157949, MedGen C2673536, MONDO:0009306, OMIM 233650.
Severe combined immunodeficiency, autosomal recessive, T cell-negative, B cell-negative, NK cell-positive. Also called: SCID, T CELL-NEGATIVE, B CELL-NEGATIVE, NK CELL-POSITIVE; Severe combined immunodeficiency due to complete RAG1/2 deficiency; SCID, AR, T-cell negative, B-cell negative, NK cell-positive. Identifiers: Orphanet 331206, MedGen C1832322, MONDO:0011086, OMIM 601457.

Allele frequency attached by ClinVar (database versions not stated): gnomAD exomes below 0.00001.
gnomAD v4.1: 1 of 1,614,044 alleles (0.000062%); highest among the groups gnomAD compares: Non-Finnish European, 0.000085%; no homozygotes.

Submission:

Labcorp Genetics (formerly Invitae), Labcorp
Classification: Likely pathogenic for Combined immunodeficiency with skin granulomas; Severe combined immunodeficiency, autosomal recessive, T cell-negative, B cell-negative, NK cell-positive. Last evaluated: 2023-03-08. Review status: criteria provided, single submitter. Criteria: Invitae Variant Classification Sherloc (09022015). Collection method: clinical testing. Allele origin: germline.
Comment: In summary, the currently available evidence indicates that the variant is pathogenic, but additional data are needed to prove that conclusively. Therefore, this variant has been classified as Likely Pathogenic. This variant disrupts the p.Arg159 amino acid residue in RAG2. Other variant(s) that disrupt this residue have been determined to be pathogenic (PMID: 24144642, 28747913). This suggests that this residue is clinically significant, and that variants that disrupt this residue are likely to be disease-causing. Advanced modeling of protein sequence and biophysical properties (such as structural, functional, and spatial information, amino acid conservation, physicochemical variation, residue mobility, and thermodynamic stability) performed at Invitae indicates that this missense variant is expected to disrupt RAG2 protein function. ClinVar contains an entry for this variant (Variation ID: 1508684). This variant has not been reported in the literature in individuals affected with RAG2-related conditions. This variant is not present in population databases (gnomAD no frequency). This sequence change replaces arginine, which is basic and polar, with histidine, which is basic and polar, at codon 159 of the RAG2 protein (p.Arg159His).

Literature cited by the submitters: PubMed 24144642; PubMed 28747913.

NM_000536.4(RAG2):c.476G>A (p.Arg159His)

Gene: RAG2 (recombination activating 2; minus strand). Cytogenetic location: 11p12.
Variant type: single nucleotide variant.
Coding change: c.476G>A on transcript NM_000536.4 (MANE Select); coding-DNA position 476, G replaced by A.
Protein change: p.Arg159His; replaces arginine 159 with histidine.
Molecular consequence: missense variant.
Genome position (GRCh38, 1-based): chr11:36,593,693, C>T on the plus strand (G>A on the coding strand, the complement: RAG2 is on the minus strand). VCF-style: chr11-36593693-C-T. GRCh37 (hg19) VCF-style: chr11-36615243-C-T.
Other names: c.476G>A, p.Arg159His (NM_001243785.2, NM_001243786.2); short protein forms R159H.
Identifiers: ClinVar variation 1508684 (VCV001508684.8), dbSNP rs2133314621, ClinGen allele CA380142898.